The following is an entry in ClinVar:

NM_002637.4(PHKA1):c.2441A>G (p.Tyr814Cys)

Gene: PHKA1 (phosphorylase kinase regulatory subunit alpha 1; minus strand). Cytogenetic location: Xq13.1.
Variant type: single nucleotide variant.
Coding change: c.2441A>G on transcript NM_002637.4 (MANE Select); coding-DNA position 2441, A replaced by G.
Protein change: p.Tyr814Cys; replaces tyrosine 814 with cysteine.
Molecular consequence: missense variant.
Genome position (GRCh38, 1-based): chrX:72,611,113, T>C on the plus strand (A>G on the coding strand, the complement: PHKA1 is on the minus strand). VCF-style: chrX-72611113-T-C. GRCh37 (hg19) VCF-style: chrX-71830963-T-C.
Other names: c.2441A>G, p.Tyr814Cys (NM_001122670.2, NM_001431068.1, NM_001440787.1); c.2264A>G, p.Tyr755Cys (NM_001172436.2, NM_001440788.1); short protein forms Y755C, Y814C.
Identifiers: ClinVar variation 4772355 (VCV004772355.1).

ClinVar aggregate classification (germline): Uncertain significance (1 of 4 stars; one submission).

Conditions:
Glycogen storage disease IXd (GSD9D). Also called: Muscle Phosphorylase Kinase Deficiency; GSD IXd. Identifiers: Orphanet 715, MedGen C1845151, MONDO:0010362, OMIM 300559.

gnomAD v4.1: 1 of 1,201,843 alleles (0.000083%); no homozygotes.

Submission:

Labcorp Genetics (formerly Invitae), Labcorp
Classification: Uncertain significance for Glycogen storage disease IXd. Last evaluated: 2025-04-29. Review status: criteria provided, single submitter. Criteria: Invitae Variant Classification Sherloc (09022015). Collection method: clinical testing. Allele origin: germline.
Comment: This sequence change replaces tyrosine, which is neutral and polar, with cysteine, which is neutral and slightly polar, at codon 814 of the PHKA1 protein (p.Tyr814Cys). This variant is present in population databases (rs782547087, gnomAD 0.001%). This variant has not been reported in the literature in individuals affected with PHKA1-related conditions. Invitae Evidence Modeling of protein sequence and biophysical properties (such as structural, functional, and spatial information, amino acid conservation, physicochemical variation, residue mobility, and thermodynamic stability) indicates that this missense variant is not expected to disrupt PHKA1 protein function with a negative predictive value of 80%. In summary, the available evidence is currently insufficient to determine the role of this variant in disease. Therefore, it has been classified as a Variant of Uncertain Significance.